The following is an entry in ClinVar:

ClinVar aggregate classification (germline): Uncertain significance. Review status: criteria provided, multiple submitters, no conflicts (2 of 4 stars). 2 submissions from 2 submitters: Uncertain significance (2). Last evaluated 2025-08-15.

Allele frequency attached by ClinVar (database versions not stated): gnomAD exomes 0.00004.
gnomAD v4.1: 10 of 1,548,612 alleles (0.00065%); highest among the groups gnomAD compares: Admixed American, 0.018%; no homozygotes.

Submissions (2):

GeneDx
Classification: Uncertain significance. Last evaluated: 2025-08-15. Review status: criteria provided, single submitter. Criteria: GeneDx Variant Classification Process June 2021. Collection method: clinical testing. Allele origin: germline. Affected: yes.
Comment: In silico analysis suggests that this missense variant does not alter protein structure/function; Has not been previously published as pathogenic or benign to our knowledge

Labcorp Genetics (formerly Invitae), Labcorp
Classification: Uncertain significance. Last evaluated: 2022-02-24. Review status: criteria provided, single submitter. Criteria: Invitae Variant Classification Sherloc (09022015). Collection method: clinical testing. Allele origin: germline.
Comment: This sequence change replaces arginine, which is basic and polar, with proline, which is neutral and non-polar, at codon 11 of the SEPSECS protein (p.Arg11Pro). This variant is present in population databases (no rsID available, gnomAD 0.03%). This variant has not been reported in the literature in individuals affected with SEPSECS-related conditions. Algorithms developed to predict the effect of missense changes on protein structure and function (SIFT, PolyPhen-2, Align-GVGD) all suggest that this variant is likely to be tolerated. In summary, the available evidence is currently insufficient to determine the role of this variant in disease. Therefore, it has been classified as a Variant of Uncertain Significance.

NM_016955.4(SEPSECS):c.32G>C (p.Arg11Pro)

Gene: SEPSECS (Sep (O-phosphoserine) tRNA:Sec (selenocysteine) tRNA synthase; minus strand). Cytogenetic location: 4p15.2.
Variant type: single nucleotide variant.
Coding change: c.32G>C on transcript NM_016955.4 (MANE Select); coding-DNA position 32, G replaced by C.
Protein change: p.Arg11Pro; replaces arginine 11 with proline.
Molecular consequence: missense variant.
Genome position (GRCh38, 1-based): chr4:25,160,338, C>G on the plus strand (G>C on the coding strand, the complement: SEPSECS is on the minus strand). VCF-style: chr4-25160338-C-G. GRCh37 (hg19) VCF-style: chr4-25161960-C-G.
Other names: c.32G>C (NM_016955.3); short protein forms R11P.
Identifiers: ClinVar variation 1523527 (VCV001523527.4), dbSNP rs963475810, ClinGen allele CA356545354.